The following is an entry in ClinVar:

ClinVar aggregate classification (germline): Uncertain significance. Review status: criteria provided, multiple submitters, no conflicts (2 of 4 stars). 3 submissions from 3 submitters: Uncertain significance (3). Last evaluated 2025-03-24.

Conditions:
Marfan syndrome (MFS). Also called: MARFAN SYNDROME, TYPE I; Marfan syndrome type 1; Marfan's syndrome; Marfan syndrome, classic; FBN1-Related Marfan Syndrome. Identifiers: Orphanet 284963, Orphanet 558, MedGen C0024796, MONDO:0007947, OMIM 154700.
Familial thoracic aortic aneurysm and aortic dissection (TAAD). Also called: Thoracic aortic aneurysms and dissections. Identifiers: Orphanet 91387, MedGen C4707243, MONDO:0019625.

Submissions (3):

Color Diagnostics, LLC DBA Color Health
Classification: Uncertain significance for Familial thoracic aortic aneurysm and aortic dissection. Last evaluated: 2025-03-24. Review status: criteria provided, single submitter. Criteria: ACMG Guidelines, 2015. Collection method: clinical testing. Allele origin: germline.
Comment: This missense variant replaces aspartic acid with histidine at codon 777 of the FBN1 protein. Computational prediction suggests that this variant may have deleterious impact on protein structure and function (internally defined REVEL score threshold >= 0.7, PMID: 27666373). To our knowledge, functional studies have not been reported for this variant. This variant has not been reported in individuals affected with FBN1-related disorders in the literature. This variant has not been identified in the general population by the Genome Aggregation Database (gnomAD). The available evidence is insufficient to determine the role of this variant in disease conclusively. Therefore, this variant is classified as a Variant of Uncertain Significance.

Labcorp Genetics (formerly Invitae), Labcorp
Classification: Uncertain significance for Marfan syndrome; Familial thoracic aortic aneurysm and aortic dissection. Last evaluated: 2024-11-15. Review status: criteria provided, single submitter. Criteria: Invitae Variant Classification Sherloc (09022015). Collection method: clinical testing. Allele origin: germline.
Comment: This sequence change replaces aspartic acid, which is acidic and polar, with histidine, which is basic and polar, at codon 777 of the FBN1 protein (p.Asp777His). This variant is not present in population databases (gnomAD no frequency). This variant has not been reported in the literature in individuals affected with FBN1-related conditions. ClinVar contains an entry for this variant (Variation ID: 3069584). Invitae Evidence Modeling of protein sequence and biophysical properties (such as structural, functional, and spatial information, amino acid conservation, physicochemical variation, residue mobility, and thermodynamic stability) indicates that this missense variant is expected to disrupt FBN1 protein function with a positive predictive value of 95%. In summary, the available evidence is currently insufficient to determine the role of this variant in disease. Therefore, it has been classified as a Variant of Uncertain Significance.

All of Us Research Program, National Institutes of Health
Classification: Uncertain significance for Marfan syndrome. Last evaluated: 2023-03-04. Review status: criteria provided, single submitter. Criteria: ACMG Guidelines, 2015. Collection method: clinical testing. Allele origin: germline. Inheritance: Autosomal dominant inheritance. Observed: 1 variant allele, 1 heterozygote.
Comment: This study involves interpretation of variants in research participants for the purpose of population health screening. Participant phenotype was not available at the time of variant classification. Additional details can be found in publication PMID: 35346344, PMCID: PMC8962531

NM_000138.5(FBN1):c.2329G>C (p.Asp777His)

Gene: FBN1 (fibrillin 1; minus strand). Cytogenetic location: 15q21.1.
Variant type: single nucleotide variant.
Coding change: c.2329G>C on transcript NM_000138.5 (MANE Select); coding-DNA position 2329, G replaced by C.
Protein change: p.Asp777His; replaces aspartic acid 777 with histidine.
Molecular consequence: missense variant.
Genome position (GRCh38, 1-based): chr15:48,496,190, C>G on the plus strand (G>C on the coding strand, the complement: FBN1 is on the minus strand). VCF-style: chr15-48496190-C-G. GRCh37 (hg19) VCF-style: chr15-48788387-C-G.
Other names: c.2329G>C, p.Asp777His (NM_001406716.1); short protein forms D777H.
Identifiers: ClinVar variation 3069584 (VCV003069584.4), dbSNP rs2505573768, ClinGen allele CA392335487.